The following is an entry in ClinVar:

ClinVar aggregate classification (germline): Likely pathogenic (1 of 4 stars; one submission).

Conditions:
Glycogen storage disease, type II (IOPD). Also called: Pompe Disease; CARDIOMEGALIA GLYCOGENICA DIFFUSA; GLYCOGENOSIS, GENERALIZED, CARDIAC FORM; GSD II; POMPE DISEASE, INFANTILE-ONSET; GLYCOGEN STORAGE DISEASE II, INFANTILE-ONSET. Identifiers: Orphanet 365, MedGen C0017921, MONDO:0009290, OMIM 232300.

Submission:

Genomenon, Inc
Classification: Likely pathogenic for Glycogen storage disease, type II. Last evaluated: 2026-07-01. Review status: criteria provided, single submitter. Criteria: Genomenon Sequence Variant Interpretation Standards - Updated. Collection method: curation. Allele origin: germline. Affected: yes.
Comment: GAA p.Cys127Phe (c.380G>T) is a missense variant that changes the amino acid at codon 127 from Cysteine to Phenylalanine. This variant has been observed in at least one proband with a GAA-related disorder in the compound heterozygous and/or homozygous state (PMID:30595407). At least one functional study has demonstrated a substantial alteration in protein function relative to the wild-type (PMID:22644586). It is absent or not present at a significant frequency in gnomAD. In silico models predict that this variant is possibly or probably damaging. In conclusion, we classify GAA p.Cys127Phe (c.380G>T) as a likely pathogenic variant.

Literature cited by the submitters: PubMed 30595407; PubMed 22644586.

NM_000152.5(GAA):c.380G>T (p.Cys127Phe)

Gene: GAA (alpha glucosidase; plus strand). Cytogenetic location: 17q25.3.
Variant type: single nucleotide variant.
Coding change: c.380G>T on transcript NM_000152.5 (MANE Select); coding-DNA position 380, G replaced by T.
Protein change: p.Cys127Phe; replaces cysteine 127 with phenylalanine.
Molecular consequence: missense variant.
Genome position (GRCh38, 1-based): chr17:80,104,966, G>T. VCF-style: chr17-80104966-G-T. GRCh37 (hg19) VCF-style: chr17-78078765-G-T.
Other names: c.380G>T, p.Cys127Phe (NM_001079803.3, NM_001079804.3, NM_001406741.1 and 1 more transcripts); short protein forms C127F.
Identifiers: ClinVar variation 4876454 (VCV004876454.1).